The following is an entry in ClinVar:

NC_000015.10:g.(?_48446696)_(48446910_?)del

Gene: FBN1 (fibrillin 1; minus strand). Cytogenetic location: 15q21.1.
Variant type: Deletion.
Identifiers: ClinVar variation 831226 (VCV000831226.7).

ClinVar aggregate classification (germline): Pathogenic (1 of 4 stars; one submission).

Conditions:
Familial thoracic aortic aneurysm and aortic dissection (TAAD). Also called: Thoracic aortic aneurysms and dissections. Identifiers: Orphanet 91387, MedGen C4707243, MONDO:0019625.
Marfan syndrome (MFS). Also called: FBN1-Related Marfan Syndrome; Marfan's syndrome; MARFAN SYNDROME, TYPE I; Marfan syndrome type 1; Marfan syndrome, classic. Identifiers: Orphanet 284963, Orphanet 558, MedGen C0024796, MONDO:0007947, OMIM 154700.

Submission:

Labcorp Genetics (formerly Invitae), Labcorp
Classification: Pathogenic for Marfan syndrome; Familial thoracic aortic aneurysm and aortic dissection. Last evaluated: 2020-09-03. Review status: criteria provided, single submitter. Criteria: Invitae Variant Classification Sherloc (09022015). Collection method: clinical testing. Allele origin: germline.
Comment: For these reasons, this variant has been classified as Pathogenic. This variant affects a cysteine residue in the EGF-like, TGFBP or hybrid motif domains of FBN1. Cysteine residues are believed to be involved in intramolecular disulfide bridges and have been shown to be important for FBN1 protein structure (PMID: 16905551, 19349279). In addition, missense substitutions affecting cysteine residues within these domains are significantly overrepresented among patients with Marfan syndrome (PMID: 16571647, 17701892). This variant is an in-frame deletion of the genomic region encompassing exon 47 of the FBN1 gene. It preserves the integrity of the reading frame.

Literature cited by the submitters: PubMed 16905551; PubMed 19349279; PubMed 16571647; PubMed 17701892.